The following is an entry in ClinVar:

NM_000141.5(FGFR2):c.1278A>C (p.Arg426Ser)

Gene: FGFR2 (fibroblast growth factor receptor 2; minus strand). Cytogenetic location: 10q26.13.
Variant type: single nucleotide variant.
Coding change: c.1278A>C on transcript NM_000141.5 (MANE Select); coding-DNA position 1278, A replaced by C.
Protein change: p.Arg426Ser; replaces arginine 426 with serine.
Molecular consequence: missense variant. On other transcripts: non-coding transcript variant (1), intron variant (1).
Genome position (GRCh38, 1-based): chr10:121,515,126, T>G on the plus strand (A>C on the coding strand, the complement: FGFR2 is on the minus strand). VCF-style: chr10-121515126-T-G. GRCh37 (hg19) VCF-style: chr10-123274640-T-G.
Other names: c.1281A>C, p.Arg427Ser (NM_001144913.1, NM_022970.4); c.942A>C, p.Arg314Ser (NM_001144914.1); c.1011A>C, p.Arg337Ser (NM_001144915.2, NM_023029.3); c.933A>C, p.Arg311Ser (NM_001144916.2, NM_001144918.2); c.1014A>C, p.Arg338Ser (NM_001144919.2); c.594A>C, p.Arg198Ser (NM_001320654.2); c.1278A>C, p.Arg426Ser (NM_001320658.2); c.939+4853A>C (NM_001144917.2); short protein forms R337S, R314S, R427S, R338S, R426S, R198S, R311S.
Identifiers: ClinVar variation 1393582 (VCV001393582.8), dbSNP rs2134219875, ClinGen allele CA378326955.

ClinVar aggregate classification (germline): Uncertain significance (1 of 4 stars; one submission).

Conditions:
FGFR2-related craniosynostosis. Identifiers: MedGen CN231480.

Submission:

Labcorp Genetics (formerly Invitae), Labcorp
Classification: Uncertain significance for FGFR2-related craniosynostosis. Last evaluated: 2022-07-12. Review status: criteria provided, single submitter. Criteria: Invitae Variant Classification Sherloc (09022015). Collection method: clinical testing. Allele origin: germline.
Comment: This variant is not present in population databases (gnomAD no frequency). In summary, the available evidence is currently insufficient to determine the role of this variant in disease. Therefore, it has been classified as a Variant of Uncertain Significance. Algorithms developed to predict the effect of missense changes on protein structure and function are either unavailable or do not agree on the potential impact of this missense change (SIFT: "Deleterious"; PolyPhen-2: "Probably Damaging"; Align-GVGD: "Class C0"). ClinVar contains an entry for this variant (Variation ID: 1393582). This variant has not been reported in the literature in individuals affected with FGFR2-related conditions. This sequence change replaces arginine, which is basic and polar, with serine, which is neutral and polar, at codon 426 of the FGFR2 protein (p.Arg426Ser).